The following is an entry in ClinVar:

NM_003000.3(SDHB):c.73-5T>C

Gene: SDHB (succinate dehydrogenase complex iron sulfur subunit B; minus strand). Cytogenetic location: 1p36.13.
Variant type: single nucleotide variant.
Coding change: c.73-5T>C on transcript NM_003000.3 (MANE Select); 5 bases into the intron before coding-DNA position 73, T replaced by C.
Molecular consequence: intron variant.
Genome position (GRCh38, 1-based): chr1:17,044,893, A>G on the plus strand (T>C on the coding strand, the complement: SDHB is on the minus strand). VCF-style: chr1-17044893-A-G. GRCh37 (hg19) VCF-style: chr1-17371388-A-G.
Other names: c.73-5T>C (NM_001407361.1).
Identifiers: ClinVar variation 3389993 (VCV003389993.14).

ClinVar aggregate classification (germline): Uncertain significance (1 of 4 stars; one submission).

Submission:

CeGaT Center for Human Genetics Tuebingen
Classification: Uncertain significance. Last evaluated: 2024-10-01. Review status: criteria provided, single submitter. Criteria: CeGaT Center For Human Genetics Tuebingen Variant Classification Criteria Version 2. Collection method: clinical testing. Allele origin: germline. Affected: yes. Observed: 1 variant allele.
Comment: SDHB: PM2, BP4